The following is an entry in ClinVar:

ClinVar aggregate classification (germline): Uncertain significance (1 of 4 stars; one submission).

Conditions:
Inborn genetic diseases. Identifiers: MedGen C0950123, MeSH D030342.

Submission:

Ambry Genetics
Classification: Uncertain significance for Inborn genetic diseases. Last evaluated: 2025-11-30. Review status: criteria provided, single submitter. Criteria: Ambry Variant Classification Scheme 2023. Collection method: clinical testing. Allele origin: germline.
Comment: The p.A58S variant (also known as c.172G>T), located in coding exon 2 of the RTEL1 gene, results from a G to T substitution at nucleotide position 172. The alanine at codon 58 is replaced by serine, an amino acid with similar properties. This amino acid position is conserved. In addition, the in silico prediction for this alteration is inconclusive. Based on the available evidence, the clinical significance of this variant remains unclear.

NM_001283009.2(RTEL1):c.172G>T (p.Ala58Ser)

Genes: RTEL1 (regulator of telomere elongation helicase 1; plus strand), RTEL1-TNFRSF6B (RTEL1-TNFRSF6B readthrough (NMD candidate); plus strand). Cytogenetic location: 20q13.33.
Variant type: single nucleotide variant.
Coding change: c.172G>T on transcript NM_001283009.2 (MANE Select); coding-DNA position 172, G replaced by T.
Protein change: p.Ala58Ser; replaces alanine 58 with serine.
Molecular consequence: missense variant. On other transcripts: non-coding transcript variant (1), 5 prime UTR variant (1).
Genome position (GRCh38, 1-based): chr20:63,661,367, G>T. VCF-style: chr20-63661367-G-T. GRCh37 (hg19) VCF-style: chr20-62292720-G-T.
Other names: c.-498G>T (NM_001283010.1); c.172G>T, p.Ala58Ser (NM_016434.4, NM_032957.5); short protein forms A58S.
Identifiers: ClinVar variation 4629635 (VCV004629635.1).